The following is an entry in ClinVar:

NM_000089.4(COL1A2):c.1198-68T>A

Gene: COL1A2 (collagen type I alpha 2 chain; plus strand). Cytogenetic location: 7q21.3.
Variant type: single nucleotide variant.
Coding change: c.1198-68T>A on transcript NM_000089.4 (MANE Select); 68 bases into the intron before coding-DNA position 1198, T replaced by A.
Molecular consequence: intron variant.
Genome position (GRCh38, 1-based): chr7:94,410,821, T>A. VCF-style: chr7-94410821-T-A. GRCh37 (hg19) VCF-style: chr7-94040133-T-A.
Identifiers: ClinVar variation 674812 (VCV000674812.2), dbSNP rs389328, ClinGen allele CA12695003.

ClinVar aggregate classification (germline): Benign. Review status: criteria provided, multiple submitters, no conflicts (2 of 4 stars). 2 submissions from 2 submitters: Benign (2). Last evaluated 2018-06-14.

Allele frequency attached by ClinVar (database versions not stated): gnomAD exomes 0.86114; ESP Exome Variant Server 0.87560; gnomAD 0.89293 and 0.89438; TOPMed 0.89785; 1000 Genomes Project 30x 0.91818; 1000 Genomes Project 0.92033.
gnomAD v4.1: 1,337,935 of 1,548,134 alleles (86%); highest among the groups gnomAD compares: East Asian, 99%; 579,230 homozygotes.

Submissions (2):

GeneDx
Classification: Benign. Last evaluated: 2018-06-14. Review status: criteria provided, single submitter. Criteria: GeneDx Variant Classification (06012015). Collection method: clinical testing. Allele origin: germline. Affected: yes.
Comment: This variant is considered likely benign or benign based on one or more of the following criteria: it is a conservative change, it occurs at a poorly conserved position in the protein, it is predicted to be benign by multiple in silico algorithms, and/or has population frequency not consistent with disease.

Breakthrough Genomics
Classification: Benign. Review status: criteria provided, single submitter. Criteria: ACMG Guidelines, 2015. Collection method: not provided. Allele origin: germline. Inheritance: Autosomal recessive inheritance. Affected: yes.